The following is an entry in ClinVar:

ClinVar aggregate classification (germline): Likely benign. Review status: criteria provided, multiple submitters, no conflicts (2 of 4 stars). 4 submissions from 4 submitters: Likely benign (2). 2 of the submissions do not count toward it. Last evaluated 2026-01-13.

Conditions:
AGPS-related disorder. Also called: AGPS-related condition.
Rhizomelic chondrodysplasia punctata (RCDP). Identifiers: Orphanet 177, MedGen C0282529, MONDO:0015776. Disease mechanism: loss of function.

Allele frequency attached by ClinVar (database versions not stated): gnomAD exomes 0.00006 and 0.00019; ExAC 0.00021; 1000 Genomes Project 0.00060; ESP Exome Variant Server 0.00069; gnomAD 0.00069 and 0.00072; TOPMed 0.00076; 1000 Genomes Project 30x 0.00078.
gnomAD v4.1: 198 of 1,610,772 alleles (0.012%); highest among the groups gnomAD compares: African/African-American, 0.22%; no homozygotes.

Submissions (4):

Labcorp Genetics (formerly Invitae), Labcorp
Classification: Likely benign. Last evaluated: 2026-01-13. Review status: criteria provided, single submitter. Criteria: Invitae Variant Classification Sherloc (09022015). Collection method: clinical testing. Allele origin: germline.

Breakthrough Genomics
Classification: Likely benign. Review status: criteria provided, single submitter. Criteria: ACMG Guidelines, 2015. Collection method: not provided. Allele origin: germline. Inheritance: Autosomal recessive inheritance. Affected: yes.

PreventionGenetics, part of Exact Sciences
Classification: Likely benign for AGPS-related condition. Last evaluated: 2020-06-23. Review status: no assertion criteria provided. Collection method: clinical testing. Allele origin: germline. Not counted in ClinVar's aggregate classification.
Comment: This variant is classified as likely benign based on ACMG/AMP sequence variant interpretation guidelines (Richards et al. 2015 PMID: 25741868, with internal and published modifications).

Natera, Inc.
Classification: Uncertain significance for Rhizomelic chondrodysplasia punctata. Last evaluated: 2020-06-22. Review status: no assertion criteria provided. Collection method: clinical testing. Allele origin: germline. Not counted in ClinVar's aggregate classification.

NM_003659.4(AGPS):c.1086C>T (p.His362=)

Gene: AGPS (alkylglycerone phosphate synthase; plus strand). Cytogenetic location: 2q31.2.
Variant type: single nucleotide variant.
Coding change: c.1086C>T on transcript NM_003659.4 (MANE Select); coding-DNA position 1086, C replaced by T.
Protein change: p.His362=; no amino-acid change (histidine 362 retained).
Molecular consequence: synonymous variant.
Genome position (GRCh38, 1-based): chr2:177,468,505, C>T. VCF-style: chr2-177468505-C-T. GRCh37 (hg19) VCF-style: chr2-178333233-C-T.
Identifiers: ClinVar variation 786266 (VCV000786266.15), dbSNP rs138280491, ClinGen allele CA1980213.
Genomic context (GRCh38, chr2:177,468,505, plus strand): 5'-AGGTATAATAGAAAAAAGCTGTCAAGGACCTCGTATGTCAACAGGCCCTGATATCCATCA[C>T]TTCATCATGGGATCTGAAGGTAAATATAACTGTAAATTTATTAAGAAAAAATACAGGTTA-3'
Protein context (NP_003650.1, residues 352-372): PRMSTGPDIH[His362=]FIMGSEGTLG